The following is an entry in ClinVar:

ClinVar aggregate classification (germline): Uncertain significance. Review status: criteria provided, multiple submitters, no conflicts (2 of 4 stars). 5 submissions from 5 submitters: Uncertain significance (5). Last evaluated 2025-01-06.

Conditions:
Hereditary cancer-predisposing syndrome. Also called: Hereditary neoplastic syndrome; Neoplastic Syndromes, Hereditary; Tumor predisposition; Hereditary Cancer Syndrome. Identifiers: Orphanet 140162, MedGen C0027672, MeSH D009386, MONDO:0015356.
Hereditary breast ovarian cancer syndrome. Also called: Hereditary breast and ovarian cancer syndrome (HBOC); BRCA1- and BRCA2-Associated Hereditary Breast and Ovarian Cancer; Hereditary breast and ovarian cancer syndrome; Breast and ovarian cancer; Hereditary breast and ovarian cancer; Hereditary breast and/or ovarian cancer syndrome. Identifiers: Orphanet 145, MedGen C0677776, MeSH D061325, MONDO:0003582. Disease mechanism: loss of function.

Allele frequency attached by ClinVar (database versions not stated): gnomAD exomes below 0.00001 and 0.00001.
gnomAD v4.1: 8 of 1,609,612 alleles (0.0005%); highest among the groups gnomAD compares: Non-Finnish European, 0.00068%; no homozygotes.

Submissions (5):

Labcorp Genetics (formerly Invitae), Labcorp
Classification: Uncertain significance for Hereditary breast ovarian cancer syndrome. Last evaluated: 2025-01-06. Review status: criteria provided, single submitter. Criteria: Invitae Variant Classification Sherloc (09022015). Collection method: clinical testing. Allele origin: germline.
Comment: This sequence change replaces asparagine, which is neutral and polar, with threonine, which is neutral and polar, at codon 3221 of the BRCA2 protein (p.Asn3221Thr). This variant is present in population databases (no rsID available, gnomAD 0.0009%). This missense change has been observed in individual(s) with breast cancer (PMID: 18284688). ClinVar contains an entry for this variant (Variation ID: 531385). Invitae Evidence Modeling of protein sequence and biophysical properties (such as structural, functional, and spatial information, amino acid conservation, physicochemical variation, residue mobility, and thermodynamic stability) indicates that this missense variant is not expected to disrupt BRCA2 protein function with a negative predictive value of 95%. In summary, the available evidence is currently insufficient to determine the role of this variant in disease. Therefore, it has been classified as a Variant of Uncertain Significance.

Ambry Genetics
Classification: Uncertain significance for Hereditary cancer-predisposing syndrome. Last evaluated: 2024-06-06. Review status: criteria provided, single submitter. Criteria: Ambry Variant Classification Scheme 2023. Collection method: clinical testing. Allele origin: germline.
Comment: The p.N3221T variant (also known as c.9662A>C), located in coding exon 26 of the BRCA2 gene, results from an A to C substitution at nucleotide position 9662. The asparagine at codon 3221 is replaced by threonine, an amino acid with similar properties. This alteration was identified in a population-based study of early-onset breast cancer diagnoses (Lee E et al. Breast Cancer Res, 2008 Feb;10:R19). This amino acid position is not well conserved in available vertebrate species. In addition, this alteration is predicted to be tolerated by in silico analysis. Since supporting evidence is limited at this time, the clinical significance of this alteration remains unclear.

Women's Health and Genetics/Laboratory Corporation of America, LabCorp
Classification: Uncertain significance. Last evaluated: 2024-03-20. Review status: criteria provided, single submitter. Criteria: LabCorp Variant Classification Summary - May 2015. Collection method: clinical testing. Allele origin: germline.
Comment: Variant summary: BRCA2 c.9662A>C (p.Asn3221Thr) results in a non-conservative amino acid change in the encoded protein sequence. Four of five in-silico tools predict a benign effect of the variant on protein function. The variant allele was found at a frequency of 4e-06 in 248530 control chromosomes. The available data on variant occurrences in the general population are insufficient to allow any conclusion about variant significance. c.9662A>C has been reported in the literature in at-least one individual with Breast Cancer (example, Lee_2008). These report(s) do not provide unequivocal conclusions about association of the variant with Hereditary Breast And Ovarian Cancer Syndrome. To our knowledge, no experimental evidence demonstrating an impact on protein function has been reported. The following publication has been ascertained in the context of this evaluation (PMID: 18284688). ClinVar contains an entry for this variant (Variation ID: 531385). Based on the evidence outlined above, the variant was classified as uncertain significance.

Color Diagnostics, LLC DBA Color Health
Classification: Uncertain significance for Hereditary cancer-predisposing syndrome. Last evaluated: 2021-12-15. Review status: criteria provided, single submitter. Criteria: ACMG Guidelines, 2015. Collection method: clinical testing. Allele origin: germline.
Comment: This missense variant replaces asparagine with threonine at codon 3221 of the BRCA2 protein. Computational prediction suggests that this variant may not impact protein structure and function (internally defined REVEL score threshold <= 0.5, PMID: 27666373). To our knowledge, functional studies have not been reported for this variant. This variant has been reported in an individual affected with breast cancer (PMID: 18284688). This variant has been identified in 1/248530 chromosomes in the general population by the Genome Aggregation Database (gnomAD). The available evidence is insufficient to determine the role of this variant in disease conclusively. Therefore, this variant is classified as a Variant of Uncertain Significance.

GeneDx
Classification: Uncertain significance. Last evaluated: 2020-11-25. Review status: criteria provided, single submitter. Criteria: GeneDx Variant Classification Process June 2021. Collection method: clinical testing. Allele origin: germline. Affected: yes.
Comment: Not observed at a significant frequency in large population cohorts (Lek 2016); In silico analysis supports that this missense variant does not alter protein structure/function; Observed in an individual with breast cancer (Lee 2008); This variant is associated with the following publications: (PMID: 25451944, 18284688)

Literature cited by the submitters: PubMed 18284688 (cited by 4 submitters).

NM_000059.4(BRCA2):c.9662A>C (p.Asn3221Thr)

Gene: BRCA2 (BRCA2 DNA repair associated; plus strand). Cytogenetic location: 13q13.1.
Variant type: single nucleotide variant.
Coding change: c.9662A>C on transcript NM_000059.4 (MANE Select); coding-DNA position 9662, A replaced by C.
Protein change: p.Asn3221Thr; replaces asparagine 3221 with threonine.
Molecular consequence: missense variant.
Genome position (GRCh38, 1-based): chr13:32,398,175, A>C. VCF-style: chr13-32398175-A-C. GRCh37 (hg19) VCF-style: chr13-32972312-A-C.
Other names: short protein forms N3221T.
Identifiers: ClinVar variation 531385 (VCV000531385.19), dbSNP rs1476681505, ClinGen allele CA387765122.